The following is an entry in ClinVar:

ClinVar aggregate classification (germline): Uncertain significance (1 of 4 stars; one submission).

Conditions:
POLD1-related polyposis and colorectal cancer syndrome (CRCS10). Also called: Colorectal cancer 10; COLORECTAL CANCER, SUSCEPTIBILITY TO, ON CHROMOSOME 19q; Colorectal cancer, susceptibility to, 10. Identifiers: Orphanet 220460, MedGen C2675481, MONDO:0012953, OMIM 612591.

Submission:

Labcorp Genetics (formerly Invitae), Labcorp
Classification: Uncertain significance for POLD1-related polyposis and colorectal cancer syndrome. Last evaluated: 2023-07-07. Review status: criteria provided, single submitter. Criteria: Invitae Variant Classification Sherloc (09022015). Collection method: clinical testing. Allele origin: germline.
Comment: In summary, the available evidence is currently insufficient to determine the role of this variant in disease. Therefore, it has been classified as a Variant of Uncertain Significance. This variant has not been reported in the literature in individuals affected with POLD1-related conditions. This sequence change creates a premature translational stop signal (Deletion (Exons 2-3)) in the POLD1 gene. Missense variants that disrupt the 3'-5' exonuclease (proof-reading) activity of the POLD1 protein are associated with PPAP (polymerase proofreading‚Äìassociated polyposis) (PMID: 23263490, 23447401). However, loss-of-function variants that result in an absent or severely disrupted POLD1 protein, and missense variants outside the exonuclease domain, are unlikely to be associated with PPAP.

Literature cited by the submitters: PubMed 23263490; PubMed 23447401.

NC_000019.9:g.(?_50902109)_(50902751_?)del

Gene: POLD1 (DNA polymerase delta 1, catalytic subunit; plus strand). Cytogenetic location: 19q13.33.
Variant type: Deletion.
Identifiers: ClinVar variation 1010855 (VCV001010855.7).